The following is an entry in ClinVar:

NM_001267550.2(TTN):c.59926+1G>C

Genes: TTN (titin; minus strand), TTN-AS1 (TTN antisense RNA 1; plus strand), LOC126806424 (CDK7 strongly-dependent group 2 enhancer GRCh37_chr2:179456337-179457536; plus strand). Cytogenetic location: 2q31.2.
Variant type: single nucleotide variant.
Coding change: c.59926+1G>C on transcript NM_001267550.2 (MANE Select); the canonical splice donor site of the intron after coding-DNA position 59926, G replaced by C.
Molecular consequence: splice donor variant.
Genome position (GRCh38, 1-based): chr2:178,591,977, C>G on the plus strand (G>C on the coding strand, the complement: TTN is on the minus strand). VCF-style: chr2-178591977-C-G. GRCh37 (hg19) VCF-style: chr2-179456704-C-G.
Other names: c.32731+1G>C (NM_003319.4); c.33307+1G>C (NM_133437.4); c.33106+1G>C (NM_133432.3); c.52222+1G>C (NM_133378.4); c.55003+1G>C (NM_001256850.1).
Identifiers: ClinVar variation 2921555 (VCV002921555.4), dbSNP rs553526525, ClinGen allele CA349488660.
Genomic context (GRCh38, chr2:178,591,977, plus strand): 5'-AAAAAGTAATATTCTTAAAGACAGTCAAACAATAGTTTTGTATTCAGAGAAAGCAACTTA[C>G]GGAGAGGATCCAAAGCCTTGATTGGTTTTGGTGTTTCAACAAAAGGACCACGTCCATACT-3'

ClinVar aggregate classification (germline): Pathogenic. Review status: criteria provided, single submitter (1 of 4 stars). 2 submissions from 2 submitters: Pathogenic (1). 1 of the submissions does not count toward it. Last evaluated 2024-10-22.

Conditions:
Dilated cardiomyopathy 1G (CMD1G). Identifiers: Orphanet 154, MedGen C1858763, MONDO:0011400, OMIM 604145.
Autosomal recessive limb-girdle muscular dystrophy type 2J (LGMDR10). Also called: Limb-girdle muscular dystrophy, type 2J; MUSCULAR DYSTROPHY, LIMB-GIRDLE, AUTOSOMAL RECESSIVE 10. Identifiers: Orphanet 140922, MedGen C1837342, MONDO:0012127, OMIM 608807.

Submissions (2):

Labcorp Genetics (formerly Invitae), Labcorp
Classification: Pathogenic for Dilated cardiomyopathy 1G; Autosomal recessive limb-girdle muscular dystrophy type 2J. Last evaluated: 2024-10-22. Review status: criteria provided, single submitter. Criteria: Invitae Variant Classification Sherloc (09022015). Collection method: clinical testing. Allele origin: germline.
Comment: This sequence change affects a donor splice site in intron 302 of the TTN gene. It is expected to disrupt RNA splicing and likely results in a truncated or disrupted TTN protein. This variant is not present in population databases (gnomAD no frequency). Disruption of this splice site has been observed in individual(s) with dilated cardiomyopathy (PMID: 22335739, 29057560). It has also been observed to segregate with disease in related individuals. Algorithms developed to predict the effect of sequence changes on RNA splicing suggest that this variant may disrupt the consensus splice site. This variant is located in the A band of TTN (PMID: 25589632). Truncating variants in this region are significantly overrepresented in patients affected with dilated cardiomyopathy (PMID: 25589632). Truncating variants in this region have also been reported in individuals affected with autosomal recessive centronuclear myopathy (PMID: 23975875). For these reasons, this variant has been classified as Pathogenic.

Cardiogenetics and Myogenetics Molecular and Cellular Functional Unit, Aphp Sorbonne University-Hopital Pitie Salpetriere
Classification: Uncertain significance for Dilated cardiomyopathy 1G. Last evaluated: 2024-01-06. Review status: no assertion criteria provided. Collection method: clinical testing. Allele origin: germline. Affected: yes. Not counted in ClinVar's aggregate classification.

Literature cited by the submitters: PubMed 22335739 (cited by Labcorp Genetics (formerly Invitae), Labcorp); PubMed 29057560 (cited by Labcorp Genetics (formerly Invitae), Labcorp); PubMed 25589632 (cited by Labcorp Genetics (formerly Invitae), Labcorp); PubMed 23975875 (cited by Labcorp Genetics (formerly Invitae), Labcorp).